The following is an entry in ClinVar:

ClinVar aggregate classification (germline): Uncertain significance. Review status: criteria provided, multiple submitters, no conflicts (2 of 4 stars). 2 submissions from 2 submitters: Uncertain significance (2). Last evaluated 2025-02-23.

Conditions:
Inborn genetic diseases. Identifiers: MedGen C0950123, MeSH D030342.

Allele frequency attached by ClinVar (database versions not stated): gnomAD 0.00030 and 0.00031; ESP Exome Variant Server 0.00034; TOPMed 0.00034.
gnomAD v4.1: 68 of 1,610,684 alleles (0.0042%); highest among the groups gnomAD compares: African/African-American, 0.082%; no homozygotes.

Submissions (2):

Ambry Genetics
Classification: Uncertain significance for Inborn genetic diseases. Last evaluated: 2025-02-23. Review status: criteria provided, single submitter. Criteria: Ambry Variant Classification Scheme 2023. Collection method: clinical testing. Allele origin: germline.

Labcorp Genetics (formerly Invitae), Labcorp
Classification: Uncertain significance. Last evaluated: 2022-05-17. Review status: criteria provided, single submitter. Criteria: Invitae Variant Classification Sherloc (09022015). Collection method: clinical testing. Allele origin: germline.
Comment: This sequence change replaces proline, which is neutral and non-polar, with histidine, which is basic and polar, at codon 1187 of the PCLO protein (p.Pro1187His). This variant is present in population databases (rs373251722, gnomAD 0.09%). This variant has not been reported in the literature in individuals affected with PCLO-related conditions. Algorithms developed to predict the effect of missense changes on protein structure and function are either unavailable or do not agree on the potential impact of this missense change (SIFT: "Deleterious"; PolyPhen-2: "Not Available"; Align-GVGD: "Class C0"). In summary, the available evidence is currently insufficient to determine the role of this variant in disease. Therefore, it has been classified as a Variant of Uncertain Significance.

NM_033026.6(PCLO):c.3560C>A (p.Pro1187His)

Gene: PCLO (piccolo presynaptic cytomatrix protein; minus strand). Cytogenetic location: 7q21.11.
Variant type: single nucleotide variant.
Coding change: c.3560C>A on transcript NM_033026.6 (MANE Select); coding-DNA position 3560, C replaced by A.
Protein change: p.Pro1187His; replaces proline 1187 with histidine.
Molecular consequence: missense variant.
Genome position (GRCh38, 1-based): chr7:82,966,228, G>T on the plus strand (C>A on the coding strand, the complement: PCLO is on the minus strand). VCF-style: chr7-82966228-G-T. GRCh37 (hg19) VCF-style: chr7-82595544-G-T.
Other names: c.3560C>A, p.Pro1187His (NM_014510.3); c.3560C>A (NM_033026.5); short protein forms P1187H.
Identifiers: ClinVar variation 1503583 (VCV001503583.4), dbSNP rs373251722, ClinGen allele CA4321015.